The following is an entry in ClinVar:

ClinVar aggregate classification (germline): Uncertain significance (1 of 4 stars; one submission).

Conditions:
Rhabdoid tumor predisposition syndrome 2 (RTPS2). Identifiers: Orphanet 231108, Orphanet 69077, MedGen C2750074, MONDO:0013224, OMIM 613325.

Submission:

Labcorp Genetics (formerly Invitae), Labcorp
Classification: Uncertain significance for Rhabdoid tumor predisposition syndrome 2. Last evaluated: 2024-08-19. Review status: criteria provided, single submitter. Criteria: Invitae Variant Classification Sherloc (09022015). Collection method: clinical testing. Allele origin: germline.
Comment: This sequence change replaces alanine, which is neutral and non-polar, with glycine, which is neutral and non-polar, at codon 182 of the SMARCA4 protein (p.Ala182Gly). This variant is not present in population databases (gnomAD no frequency). This variant has not been reported in the literature in individuals affected with SMARCA4-related conditions. Invitae Evidence Modeling of protein sequence and biophysical properties (such as structural, functional, and spatial information, amino acid conservation, physicochemical variation, residue mobility, and thermodynamic stability) has been performed for this missense variant. However, the output from this modeling did not meet the statistical confidence thresholds required to predict the impact of this variant on SMARCA4 protein function. In summary, the available evidence is currently insufficient to determine the role of this variant in disease. Therefore, it has been classified as a Variant of Uncertain Significance.

NM_003072.5(SMARCA4):c.545C>G (p.Ala182Gly)

Gene: SMARCA4 (SWI/SNF related BAF chromatin remodeling complex subunit ATPase 4; plus strand). Cytogenetic location: 19p13.2.
Variant type: single nucleotide variant.
Coding change: c.545C>G on transcript NM_003072.5 (MANE Select); coding-DNA position 545, C replaced by G.
Protein change: p.Ala182Gly; replaces alanine 182 with glycine.
Molecular consequence: missense variant. On other transcripts: non-coding transcript variant (1).
Genome position (GRCh38, 1-based): chr19:10,986,378, C>G. VCF-style: chr19-10986378-C-G. GRCh37 (hg19) VCF-style: chr19-11097054-C-G.
Other names: c.545C>G, p.Ala182Gly (NM_001128844.3, NM_001128845.2, NM_001128846.2 and 6 more transcripts); short protein forms A182G.
Identifiers: ClinVar variation 3636829 (VCV003636829.2).